The following is an entry in ClinVar:

ClinVar aggregate classification (germline): Uncertain significance. Review status: criteria provided, multiple submitters, no conflicts (2 of 4 stars). 2 submissions from 2 submitters: Uncertain significance (2). Last evaluated 2025-11-30.

Conditions:
Hereditary cancer-predisposing syndrome. Also called: Tumor predisposition; Hereditary neoplastic syndrome; Neoplastic Syndromes, Hereditary; Hereditary Cancer Syndrome. Identifiers: Orphanet 140162, MedGen C0027672, MeSH D009386, MONDO:0015356.
Ataxia-telangiectasia-like disorder (ATLD). Identifiers: MedGen C1858391, MONDO:0011457.

Allele frequency attached by ClinVar (database versions not stated): TOPMed below 0.00001.

Submissions (2):

Ambry Genetics
Classification: Uncertain significance for Hereditary cancer-predisposing syndrome. Last evaluated: 2025-11-30. Review status: criteria provided, single submitter. Criteria: Ambry Variant Classification Scheme 2023. Collection method: clinical testing. Allele origin: germline.
Comment: The p.P375H variant (also known as c.1124C>A), located in coding exon 10 of the MRE11A gene, results from a C to A substitution at nucleotide position 1124. The proline at codon 375 is replaced by histidine, an amino acid with similar properties. This amino acid position is well conserved in available vertebrate species. In addition, the in silico prediction for this alteration is inconclusive. Since supporting evidence is limited at this time, the clinical significance of this alteration remains unclear.

Labcorp Genetics (formerly Invitae), Labcorp
Classification: Uncertain significance for Ataxia-telangiectasia-like disorder. Last evaluated: 2025-08-26. Review status: criteria provided, single submitter. Criteria: Invitae Variant Classification Sherloc (09022015). Collection method: clinical testing. Allele origin: germline.
Comment: This sequence change replaces proline, which is neutral and non-polar, with histidine, which is basic and polar, at codon 375 of the MRE11 protein (p.Pro375His). This variant is present in population databases (no rsID available, gnomAD 0.007%). This variant has not been reported in the literature in individuals affected with MRE11-related conditions. ClinVar contains an entry for this variant (Variation ID: 847077). An algorithm developed to predict the effect of missense changes on protein structure and function (PolyPhen-2) suggests that this variant is likely to be tolerated. In summary, the available evidence is currently insufficient to determine the role of this variant in disease. Therefore, it has been classified as a Variant of Uncertain Significance.

NM_005591.4(MRE11):c.1124C>A (p.Pro375His)

Gene: MRE11 (MRE11 double strand break repair nuclease; minus strand). Cytogenetic location: 11q21.
Variant type: single nucleotide variant.
Coding change: c.1124C>A on transcript NM_005591.4 (MANE Select); coding-DNA position 1124, C replaced by A.
Protein change: p.Pro375His; replaces proline 375 with histidine.
Molecular consequence: missense variant.
Genome position (GRCh38, 1-based): chr11:94,464,214, G>T on the plus strand (C>A on the coding strand, the complement: MRE11 is on the minus strand). VCF-style: chr11-94464214-G-T. GRCh37 (hg19) VCF-style: chr11-94197380-G-T.
Other names: c.1124C>A, p.Pro375His (NM_001330347.2, NM_005590.4); short protein forms P375H.
Identifiers: ClinVar variation 847077 (VCV000847077.11), dbSNP rs1337955464, ClinGen allele CA382372993.